The following is an entry in ClinVar:

NM_000400.4(ERCC2):c.1759-2A>C

Gene: ERCC2 (ERCC excision repair 2, TFIIH core complex helicase subunit; minus strand). Cytogenetic location: 19q13.32.
Variant type: single nucleotide variant.
Coding change: c.1759-2A>C on transcript NM_000400.4 (MANE Select); the canonical splice acceptor site of the intron before coding-DNA position 1759, A replaced by C.
Molecular consequence: splice acceptor variant.
Genome position (GRCh38, 1-based): chr19:45,353,157, T>G on the plus strand (A>C on the coding strand, the complement: ERCC2 is on the minus strand). VCF-style: chr19-45353157-T-G. GRCh37 (hg19) VCF-style: chr19-45856415-T-G.
Identifiers: ClinVar variation 2675055 (VCV002675055.2), dbSNP rs774936846, ClinGen allele CA406364253.

ClinVar aggregate classification (germline): Likely pathogenic. Review status: criteria provided, multiple submitters, no conflicts (2 of 4 stars). 2 submissions from 2 submitters: Likely pathogenic (2). Last evaluated 2026-01-14.

Conditions:
Cerebrooculofacioskeletal syndrome 2 (COFS2). Identifiers: MedGen C1853102, MONDO:0012553, OMIM 610756.

Submissions (2):

Labcorp Genetics (formerly Invitae), Labcorp
Classification: Likely pathogenic. Last evaluated: 2026-01-14. Review status: criteria provided, single submitter. Criteria: Invitae Variant Classification Sherloc (09022015). Collection method: clinical testing. Allele origin: germline.
Comment: This sequence change affects an acceptor splice site in intron 18 of the ERCC2 gene. It is expected to disrupt RNA splicing. Variants that disrupt the donor or acceptor splice site typically lead to a loss of protein function (PMID: 16199547), and loss-of-function variants in ERCC2 are known to be pathogenic (PMID: 9238033, 11335038, 19085937, 19934020). This variant is not present in population databases (gnomAD no frequency). This variant has not been reported in the literature in individuals affected with ERCC2-related conditions. ClinVar contains an entry for this variant (Variation ID: 2675055). Algorithms developed to predict the effect of sequence changes on RNA splicing suggest that this variant may disrupt the consensus splice site. In summary, the currently available evidence indicates that the variant is pathogenic, but additional data are needed to prove that conclusively. Therefore, this variant has been classified as Likely Pathogenic.

Baylor Genetics
Classification: Likely pathogenic for Cerebrooculofacioskeletal syndrome 2. Last evaluated: 2023-04-27. Review status: criteria provided, single submitter. Criteria: ACMG Guidelines, 2015. Collection method: clinical testing. Allele origin: unknown.

Literature cited by the submitters: PubMed 16199547 (cited by Labcorp Genetics (formerly Invitae), Labcorp); PubMed 9238033 (cited by Labcorp Genetics (formerly Invitae), Labcorp); PubMed 11335038 (cited by Labcorp Genetics (formerly Invitae), Labcorp); PubMed 19085937 (cited by Labcorp Genetics (formerly Invitae), Labcorp); PubMed 19934020 (cited by Labcorp Genetics (formerly Invitae), Labcorp).